The following is an entry in ClinVar:

NM_004360.5(CDH1):c.1664A>T (p.His555Leu)

Gene: CDH1 (cadherin 1; plus strand). Cytogenetic location: 16q22.1.
Variant type: single nucleotide variant.
Coding change: c.1664A>T on transcript NM_004360.5 (MANE Select); coding-DNA position 1664, A replaced by T.
Protein change: p.His555Leu; replaces histidine 555 with leucine.
Molecular consequence: missense variant. On other transcripts: intron variant (1).
Genome position (GRCh38, 1-based): chr16:68,819,378, A>T. VCF-style: chr16-68819378-A-T. GRCh37 (hg19) VCF-style: chr16-68853281-A-T.
Other names: c.1481A>T, p.His494Leu (NM_001317184.2); c.116A>T, p.His39Leu (NM_001317185.2); c.-254-2623A>T (NM_001317186.2); short protein forms H494L, H39L, H555L.
Identifiers: ClinVar variation 5033958 (VCV005033958.1).

ClinVar aggregate classification (germline): Uncertain significance (1 of 4 stars; one submission).

Conditions:
Hereditary cancer-predisposing syndrome. Also called: Neoplastic Syndromes, Hereditary; Tumor predisposition; Hereditary neoplastic syndrome; Hereditary Cancer Syndrome. Identifiers: Orphanet 140162, MedGen C0027672, MeSH D009386, MONDO:0015356.

Submission:

Ambry Genetics
Classification: Uncertain significance for Hereditary cancer-predisposing syndrome. Last evaluated: 2026-07-07. Review status: criteria provided, single submitter. Criteria: Ambry Variant Classification Scheme 2023. Collection method: clinical testing. Allele origin: germline.
Comment: The p.H555L variant (also known as c.1664A>T), located in coding exon 11 of the CDH1 gene, results from an A to T substitution at nucleotide position 1664. The histidine at codon 555 is replaced by leucine, an amino acid with similar properties. This amino acid position is conserved. In addition, this alteration is predicted to be tolerated by in silico analysis. Based on the available evidence, the clinical significance of this variant remains unclear.